The following is an entry in ClinVar:

NM_014795.4(ZEB2):c.1821_1824del (p.Asn607fs)

Gene: ZEB2 (zinc finger E-box binding homeobox 2; minus strand). Cytogenetic location: 2q22.3.
Variant type: Microsatellite.
Coding change: c.1821_1824del on transcript NM_014795.4 (MANE Select); coding-DNA positions 1821 to 1824, 4 bases deleted (TGAA; older notation c.1821_1824delTGAA).
Protein change: p.Asn607fs; shifts the reading frame from asparagine 607.
Molecular consequence: frameshift variant.
Genome position (GRCh38, 1-based): chr2:144,399,363-144,399,366, TTCA deleted on the plus strand (TGAA on the coding strand, the reverse complement: ZEB2 is on the minus strand); deleting any 4 consecutive bases within chr2:144,399,363-144,399,371 gives the same sequence; the c. name uses the placement nearest the transcript's 3' end. VCF-style (leftmost placement, unchanged base first): chr2-144399362-CTTCA-C. GRCh37 (hg19) VCF-style: chr2-145156929-CTTCA-C.
Other names: c.1749_1752del, p.Asn583fs (NM_001171653.2); c.1821_1824delTGAA (NM_014795.3); short protein forms N583fs, N607fs.
Identifiers: ClinVar variation 373072 (VCV000373072.4), dbSNP rs1057518193, ClinGen allele CA16042335.

ClinVar aggregate classification (germline): Pathogenic/Likely pathogenic. Review status: criteria provided, multiple submitters, no conflicts (2 of 4 stars). 2 submissions from 2 submitters: Pathogenic (1); Likely pathogenic (1). Last evaluated 2025-09-21.

Conditions:
Mowat-Wilson syndrome (MOWS). Also called: Classic Mowat-Wilson Syndrome. Identifiers: Orphanet 2152, MedGen C1856113, MONDO:0009341, OMIM 235730.

Submissions (2):

Laboratorio de Genetica e Diagnostico Molecular, Hospital Israelita Albert Einstein
Classification: Likely pathogenic for Mowat-Wilson syndrome. Last evaluated: 2025-09-21. Review status: criteria provided, single submitter. Criteria: ACMG Guidelines, 2015. Collection method: clinical testing. Allele origin: germline. Affected: yes.
Comment: ACMG classification criteria: PVS1 very strong, PM2 supporting

GeneDx
Classification: Pathogenic. Last evaluated: 2019-12-18. Review status: criteria provided, single submitter. Criteria: GeneDx Variant Classification Process June 2021. Collection method: clinical testing. Allele origin: germline. Affected: yes.
Comment: Frameshift variant predicted to result in protein truncation or nonsense mediated decay in a gene for which loss-of-function is a known mechanism of disease; Not observed in large population cohorts (Lek et al., 2016); Has not been previously published as pathogenic or benign to our knowledge